The following is an entry in ClinVar:

ClinVar aggregate classification (germline): Likely benign. Review status: criteria provided, single submitter (1 of 4 stars). 2 submissions from 2 submitters: Likely benign (1). 1 of the submissions does not count toward it. Last evaluated 2025-10-13.

Conditions:
SIRT1-related disorder. Also called: SIRT1-related condition.

Allele frequency attached by ClinVar (database versions not stated): gnomAD exomes 0.00017 and 0.00031; ExAC 0.00037; gnomAD 0.00096 and 0.00103; 1000 Genomes Project 0.00100; 1000 Genomes Project 30x 0.00109; TOPMed 0.00109; ESP Exome Variant Server 0.00115.

Submissions (2):

Labcorp Genetics (formerly Invitae), Labcorp
Classification: Likely benign. Last evaluated: 2025-10-13. Review status: criteria provided, single submitter. Criteria: Invitae Variant Classification Sherloc (09022015). Collection method: clinical testing. Allele origin: germline.

PreventionGenetics, part of Exact Sciences
Classification: Likely benign for SIRT1-related condition. Last evaluated: 2023-05-11. Review status: no assertion criteria provided. Collection method: clinical testing. Allele origin: germline. Not counted in ClinVar's aggregate classification.
Comment: This variant is classified as likely benign based on ACMG/AMP sequence variant interpretation guidelines (Richards et al. 2015 PMID: 25741868, with internal and published modifications).

NM_012238.5(SIRT1):c.509A>G (p.His170Arg)

Gene: SIRT1 (sirtuin 1; plus strand). Cytogenetic location: 10q21.3.
Variant type: single nucleotide variant.
Coding change: c.509A>G on transcript NM_012238.5 (MANE Select); coding-DNA position 509, A replaced by G.
Protein change: p.His170Arg; replaces histidine 170 with arginine.
Molecular consequence: missense variant. On other transcripts: 5 prime UTR variant (1).
Genome position (GRCh38, 1-based): chr10:67,887,495, A>G. VCF-style: chr10-67887495-A-G. GRCh37 (hg19) VCF-style: chr10-69647253-A-G.
Other names: c.-135A>G (NM_001142498.2); short protein forms H170R.
Identifiers: ClinVar variation 760832 (VCV000760832.10), dbSNP rs144124002, ClinGen allele CA5521028.